The following is an entry in ClinVar:

NM_021930.6(RINT1):c.1751T>A (p.Leu584Gln)

Gene: RINT1 (RAD50 interactor 1; plus strand). Cytogenetic location: 7q22.3.
Variant type: single nucleotide variant.
Coding change: c.1751T>A on transcript NM_021930.6 (MANE Select); coding-DNA position 1751, T replaced by A.
Protein change: p.Leu584Gln; replaces leucine 584 with glutamine.
Molecular consequence: missense variant. On other transcripts: non-coding transcript variant (1).
Genome position (GRCh38, 1-based): chr7:105,563,812, T>A. VCF-style: chr7-105563812-T-A. GRCh37 (hg19) VCF-style: chr7-105204259-T-A.
Other names: c.1751T>A (NM_021930.4); c.1517T>A, p.Leu506Gln (NM_001346599.2); c.728T>A, p.Leu243Gln (NM_001346600.2, NM_001346603.2); c.827T>A, p.Leu276Gln (NM_001346601.2); short protein forms L276Q, L506Q, L584Q, L243Q.
Identifiers: ClinVar variation 2051558 (VCV002051558.6), dbSNP rs752301281, ClinGen allele CA368813752.

ClinVar aggregate classification (germline): Uncertain significance. Review status: criteria provided, multiple submitters, no conflicts (2 of 4 stars). 2 submissions from 2 submitters: Uncertain significance (2). Last evaluated 2025-11-30.

Submissions (2):

Ambry Genetics
Classification: Uncertain significance. Last evaluated: 2025-11-30. Review status: criteria provided, single submitter. Criteria: Ambry Variant Classification Scheme 2023. Collection method: clinical testing. Allele origin: germline.
Comment: The p.L584Q variant (also known as c.1751T>A), located in coding exon 12 of the RINT1 gene, results from a T to A substitution at nucleotide position 1751. The leucine at codon 584 is replaced by glutamine, an amino acid with dissimilar properties. This amino acid position is conserved. In addition, the in silico prediction for this alteration is inconclusive. Since supporting evidence is limited at this time, the clinical significance of this alteration remains unclear.

Labcorp Genetics (formerly Invitae), Labcorp
Classification: Uncertain significance. Last evaluated: 2021-12-25. Review status: criteria provided, single submitter. Criteria: Invitae Variant Classification Sherloc (09022015). Collection method: clinical testing. Allele origin: germline.
Comment: This sequence change replaces leucine, which is neutral and non-polar, with glutamine, which is neutral and polar, at codon 584 of the RINT1 protein (p.Leu584Gln). In summary, the available evidence is currently insufficient to determine the role of this variant in disease. Therefore, it has been classified as a Variant of Uncertain Significance. Algorithms developed to predict the effect of missense changes on protein structure and function are either unavailable or do not agree on the potential impact of this missense change (SIFT: "Tolerated"; PolyPhen-2: "Probably Damaging"; Align-GVGD: "Class C0"). This variant has not been reported in the literature in individuals affected with RINT1-related conditions. This variant is present in population databases (no rsID available, gnomAD 0.006%).